The following is an entry in ClinVar:

NM_001110556.2(FLNA):c.6863G>A (p.Arg2288His)

Gene: FLNA (filamin A; minus strand). Cytogenetic location: Xq28.
Variant type: single nucleotide variant.
Coding change: c.6863G>A on transcript NM_001110556.2 (MANE Select); coding-DNA position 6863, G replaced by A.
Protein change: p.Arg2288His; replaces arginine 2288 with histidine.
Molecular consequence: missense variant.
Genome position (GRCh38, 1-based): chrX:154,351,928, C>T on the plus strand (G>A on the coding strand, the complement: FLNA is on the minus strand). VCF-style: chrX-154351928-C-T. GRCh37 (hg19) VCF-style: chrX-153580296-C-T.
Other names: c.6839G>A, p.Arg2280His (NM_001456.4); short protein forms R2280H, R2288H.
Identifiers: ClinVar variation 465015 (VCV000465015.20), dbSNP rs782275601, ClinGen allele CA10560021.

ClinVar aggregate classification (germline): Conflicting classifications of pathogenicity. Review status: criteria provided, conflicting classifications (1 of 4 stars). 5 submissions from 5 submitters: Uncertain significance (3); Benign (1). 1 of the submissions does not count toward it. Last evaluated 2026-03-31.

Conditions:
Cardiac valvular dysplasia, X-linked (CVDPX). Also called: Congenital valvular dysplasia; FLNA-Related X-linked Cardiac Valvular Dysplasia; MYXOMATOUS VALVULAR DYSTROPHY, X-LINKED; VALVULAR HEART DISEASE, CONGENITAL; Isolated X-Linked Cardiac Valvular Dysplasia. Identifiers: Orphanet 1864, Orphanet 555877, Orphanet 75497, MedGen C0262436, MONDO:0010753, OMIM 314400.
Terminal osseous dysplasia-pigmentary defects syndrome. Also called: ODPD; TERMINAL OSSEOUS DYSPLASIA AND PIGMENTARY DEFECTS; Terminal Osseous Dysplasia (FLNA-TOD); ODPF SYNDROME; OSSEOUS DYSPLASIA, DIGITAL, WITH FACIAL PIGMENTARY DEFECTS AND MULTIPLE FRENULA. Identifiers: Orphanet 88630, MedGen C1846129, MONDO:0010279, OMIM 300244.
FG syndrome 2 (FGS2). Identifiers: MedGen C1845902, MONDO:0010297, OMIM 300321.
Heterotopia, periventricular, X-linked dominant (PVNH1). Also called: PERIVENTRICULAR NODULAR HETEROTOPIA 1; X-linked periventricular heterotopia; PERIVENTRICULAR NODULAR HETEROTOPIA 4; HETEROTOPIA, PERIVENTRICULAR, 1. Identifiers: Orphanet 2149, Orphanet 82004, MedGen C1848213, MONDO:0010233, OMIM 300049.
Intestinal pseudoobstruction, neuronal, chronic idiopathic, X-linked (CIIPX). Also called: INTESTINAL PSEUDOOBSTRUCTION, NEURONAL, CHRONIC IDIOPATHIC, WITH CENTRAL NERVOUS SYSTEM INVOLVEMENT; FLNA-Related Periventricular Nodular Heterotopia (FLNA-Related PVNH; Huttenlocher Syndrome); CONGENITAL IDIOPATHIC INTESTINAL PSEUDOOBSTRUCTION. Identifiers: Orphanet 2301, MedGen C2746068, MONDO:0010232, OMIM 300048.
Oto-palato-digital syndrome, type I (OPD1). Also called: OPD I SYNDROME; OPD SYNDROME 1; Otopalatodigital Syndrome Type 1 (FLNA-OPD1); Taybi syndrome; Otopalatodigital Syndrome, Type I. Identifiers: Orphanet 669, Orphanet 90650, MedGen C0265251, MONDO:0010704, OMIM 311300.
Oto-palato-digital syndrome, type II (OPD2). Also called: OPD II SYNDROME; Otopalatodigital Syndrome Type 2 (FLNA-OPD2); Otopalatodigital Syndrome, Type II; FACIOPALATOOSSEOUS SYNDROME. Identifiers: Orphanet 669, Orphanet 90652, MedGen C1844696, MONDO:0010571, OMIM 304120.
Frontometaphyseal dysplasia 1 (FMD1). Also called: Frontometaphyseal Dysplasia (FLNA-FMD). Identifiers: Orphanet 1826, MedGen C4281559, MONDO:0024550, OMIM 305620.
Melnick-Needles syndrome (MNS). Also called: MELNICK-NEEDLES OSTEODYSPLASTY; OSTEODYSPLASTY OF MELNICK AND NEEDLES; Melnick-Needles Syndrome (FLNA-MNS). Identifiers: Orphanet 2484, MedGen C0025237, MONDO:0010650, OMIM 309350.
Frontometaphyseal dysplasia (FMD1). Identifiers: Orphanet 1826, MedGen C0265293, MONDO:0015942.
Familial thoracic aortic aneurysm and aortic dissection (TAAD). Also called: Thoracic aortic aneurysms and dissections. Identifiers: Orphanet 91387, MedGen C4707243, MONDO:0019625.

Allele frequency attached by ClinVar (database versions not stated): ExAC 0.00002; gnomAD exomes 0.00003 and 0.00012; gnomAD 0.00003; TOPMed 0.00003.
gnomAD v4.1: 132 of 1,210,113 alleles (0.011%); highest among the groups gnomAD compares: Non-Finnish European, 0.014%; no homozygotes.

Submissions (5):

Ambry Genetics
Classification: Uncertain significance for Familial thoracic aortic aneurysm and aortic dissection. Last evaluated: 2026-03-31. Review status: criteria provided, single submitter. Criteria: Ambry Variant Classification Scheme 2023. Collection method: clinical testing. Allele origin: germline.
Comment: The c.6839G>A (p.R2280H) alteration is located in exon 41 (coding exon 40) of the FLNA gene. This alteration results from a G to A substitution at nucleotide position 6839, causing the arginine (R) at amino acid position 2280 to be replaced by a histidine (H). Based on data from gnomAD, the A allele has an overall frequency of 0.003% (6/181154) total alleles studied. The highest observed frequency was 0.023% (1/4454) of Other alleles. Based on insufficient or conflicting evidence, the clinical significance of this alteration remains unclear.

Labcorp Genetics (formerly Invitae), Labcorp
Classification: Benign for Oto-palato-digital syndrome, type II; Heterotopia, periventricular, X-linked dominant; Frontometaphyseal dysplasia; Melnick-Needles syndrome. Last evaluated: 2026-01-27. Review status: criteria provided, single submitter. Criteria: Invitae Variant Classification Sherloc (09022015). Collection method: clinical testing. Allele origin: germline.

Genetic Services Laboratory, University of Chicago
Classification: Uncertain significance. Last evaluated: 2021-08-06. Review status: criteria provided, single submitter. Criteria: ACMG Guidelines, 2015. Collection method: clinical testing. Allele origin: germline. Affected: no.
Comment: DNA sequence analysis of the FLNA gene demonstrated a sequence change, c.6839G>A, in exon 41 that results in an amino acid change, p.Arg2280His. This sequence change does not appear to have been previously described in individuals with FLNA-related disorders. This sequence change has been described in the gnomAD database with a low frequency of 0.008% in African/African American subpopulation (dbSNP rs782275601). The p.Arg2280His change affects a highly conserved amino acid residue located in a domain of the FLNA protein that is known to be functional. In-silico pathogenicity prediction tools (SIFT, PolyPhen2, Align GVGD, REVEL) provide contradictory results for the p.Arg2280His substitution. Due to the lack of sufficient evidence, the clinical significance of the p.Arg2280His change remains unknown at this time.

Fulgent Genetics
Classification: Uncertain significance for Intestinal pseudoobstruction, neuronal, chronic idiopathic, X-linked; Heterotopia, periventricular, X-linked dominant; Terminal osseous dysplasia-pigmentary defects syndrome; FG syndrome 2; Oto-palato-digital syndrome, type II; Frontometaphyseal dysplasia 1; Melnick-Needles syndrome; Oto-palato-digital syndrome, type I; Cardiac valvular dysplasia, X-linked. Last evaluated: 2018-10-31. Review status: criteria provided, single submitter. Criteria: ACMG Guidelines, 2015. Collection method: clinical testing. Allele origin: unknown.

Zotz-Klimas Genetics Lab, MVZ Zotz Klimas
Classification: Uncertain significance for Heterotopia, periventricular, X-linked dominant. Last evaluated: 2023-11-02. Review status: no assertion criteria provided. Collection method: clinical testing. Allele origin: germline. Affected: yes. Not counted in ClinVar's aggregate classification.